The following is an entry in ClinVar:

ClinVar aggregate classification (germline): Uncertain significance (1 of 4 stars; one submission).

Allele frequency attached by ClinVar (database versions not stated): gnomAD exomes below 0.00001; ExAC 0.00001; gnomAD 0.00001; TOPMed 0.00001.
gnomAD v4.1: 3 of 1,208,568 alleles (0.00025%); highest among the groups gnomAD compares: Non-Finnish European, 0.00034%; no homozygotes.

Submission:

Women's Health and Genetics/Laboratory Corporation of America, LabCorp
Classification: Uncertain significance. Last evaluated: 2024-02-29. Review status: criteria provided, single submitter. Criteria: LabCorp Variant Classification Summary - May 2015. Collection method: clinical testing. Allele origin: germline.
Comment: Variant summary: NDUFA1 c.139C>G (p.Leu47Val) results in a conservative amino acid change in the encoded protein sequence. Three of five in-silico tools predict a benign effect of the variant on protein function. The variant allele was found at a frequency of 5.4e-06 in 183515 control chromosomes. The available data on variant occurrences in the general population are insufficient to allow any conclusion about variant significance. To our knowledge, no occurrence of c.139C>G in individuals affected with Mitochondrial Complex 1 Deficiency, Nuclear Type 12 and no experimental evidence demonstrating its impact on protein function have been reported. No submitters have cited clinical-significance assessments for this variant to ClinVar. Based on the evidence outlined above, the variant was classified as uncertain significance.

NM_004541.4(NDUFA1):c.139C>G (p.Leu47Val)

Gene: NDUFA1 (NADH:ubiquinone oxidoreductase subunit A1; plus strand). Cytogenetic location: Xq24.
Variant type: single nucleotide variant.
Coding change: c.139C>G on transcript NM_004541.4 (MANE Select); coding-DNA position 139, C replaced by G.
Protein change: p.Leu47Val; replaces leucine 47 with valine.
Molecular consequence: missense variant.
Genome position (GRCh38, 1-based): chrX:119,873,340, C>G. VCF-style: chrX-119873340-C-G. GRCh37 (hg19) VCF-style: chrX-119007303-C-G.
Other names: short protein forms L47V.
Identifiers: ClinVar variation 3069029 (VCV003069029.2), dbSNP rs757935805, ClinGen allele CA10503554.